The following is an entry in ClinVar:

ClinVar aggregate classification (germline): Uncertain significance (1 of 4 stars; one submission).

Submission:

Labcorp Genetics (formerly Invitae), Labcorp
Classification: Uncertain significance. Last evaluated: 2024-10-26. Review status: criteria provided, single submitter. Criteria: Invitae Variant Classification Sherloc (09022015). Collection method: clinical testing. Allele origin: germline.
Comment: This sequence change replaces threonine, which is neutral and polar, with alanine, which is neutral and non-polar, at codon 582 of the PCDH15 protein (p.Thr582Ala). This variant is not present in population databases (gnomAD no frequency). This variant has not been reported in the literature in individuals affected with PCDH15-related conditions. ClinVar contains an entry for this variant (Variation ID: 2145393). Invitae Evidence Modeling of protein sequence and biophysical properties (such as structural, functional, and spatial information, amino acid conservation, physicochemical variation, residue mobility, and thermodynamic stability) has been performed for this missense variant. However, the output from this modeling did not meet the statistical confidence thresholds required to predict the impact of this variant on PCDH15 protein function. In summary, the available evidence is currently insufficient to determine the role of this variant in disease. Therefore, it has been classified as a Variant of Uncertain Significance.

NM_001384140.1(PCDH15):c.1744A>G (p.Thr582Ala)

Gene: PCDH15 (protocadherin related 15; minus strand). Cytogenetic location: 10q21.1.
Variant type: single nucleotide variant.
Coding change: c.1744A>G on transcript NM_001384140.1 (MANE Select); coding-DNA position 1744, A replaced by G.
Protein change: p.Thr582Ala; replaces threonine 582 with alanine.
Molecular consequence: missense variant.
Genome position (GRCh38, 1-based): chr10:54,153,140, T>C on the plus strand (A>G on the coding strand, the complement: PCDH15 is on the minus strand). VCF-style: chr10-54153140-T-C. GRCh37 (hg19) VCF-style: chr10-55912900-T-C.
Other names: c.1759A>G, p.Thr587Ala (NM_001142763.2, NM_001142771.2); c.1744A>G, p.Thr582Ala (NM_001142764.2, NM_001142765.2, NM_001142766.2 and 6 more transcripts); c.1633A>G, p.Thr545Ala (NM_001142767.2); c.1678A>G, p.Thr560Ala (NM_001142768.2, NM_001142773.2, NM_001354404.2); c.1780A>G, p.Thr594Ala (NM_001142769.4); c.1765A>G, p.Thr589Ala (NM_001354411.2); short protein forms T589A, T582A, T594A, T545A, T560A, T587A.
Identifiers: ClinVar variation 2145393 (VCV002145393.4), dbSNP rs2539026185, ClinGen allele CA376519176.